The following is an entry in ClinVar:

NM_001242896.3(DEPDC5):c.1010C>T (p.Thr337Met)

Gene: DEPDC5 (DEP domain containing 5, GATOR1 subcomplex subunit; plus strand). Cytogenetic location: 22q12.3.
Variant type: single nucleotide variant.
Coding change: c.1010C>T on transcript NM_001242896.3 (MANE Select); coding-DNA position 1010, C replaced by T.
Protein change: p.Thr337Met; replaces threonine 337 with methionine.
Molecular consequence: missense variant. On other transcripts: non-coding transcript variant (5).
Genome position (GRCh38, 1-based): chr22:31,802,767, C>T. VCF-style: chr22-31802767-C-T. GRCh37 (hg19) VCF-style: chr22-32198753-C-T.
Other names: c.1010C>T, p.Thr337Met (NM_001007188.4, NM_001136029.4, NM_001242897.2 and 7 more transcripts); c.926C>T, p.Thr309Met (NM_001369901.1, NM_001369902.1); short protein forms T337M, T309M.
Identifiers: ClinVar variation 421311 (VCV000421311.8), dbSNP rs1037878155, ClinGen allele CA16621104.

ClinVar aggregate classification (germline): Uncertain significance. Review status: criteria provided, multiple submitters, no conflicts (2 of 4 stars). 2 submissions from 2 submitters: Uncertain significance (2). Last evaluated 2024-07-04.

Conditions:
Familial focal epilepsy with variable foci (FPEVF). Identifiers: Orphanet 98820, MedGen C1858477, MONDO:0020310.

Allele frequency attached by ClinVar (database versions not stated): gnomAD 0.00001; gnomAD exomes 0.00001.
gnomAD v4.1: 12 of 1,606,372 alleles (0.00075%); highest among the groups gnomAD compares: South Asian, 0.0011%; no homozygotes.

Submissions (2):

Labcorp Genetics (formerly Invitae), Labcorp
Classification: Uncertain significance for Familial focal epilepsy with variable foci. Last evaluated: 2024-07-04. Review status: criteria provided, single submitter. Criteria: Invitae Variant Classification Sherloc (09022015). Collection method: clinical testing. Allele origin: germline.
Comment: This sequence change replaces threonine, which is neutral and polar, with methionine, which is neutral and non-polar, at codon 337 of the DEPDC5 protein (p.Thr337Met). This variant is present in population databases (no rsID available, gnomAD 0.003%). This variant has not been reported in the literature in individuals affected with DEPDC5-related conditions. ClinVar contains an entry for this variant (Variation ID: 421311). Experimental studies and prediction algorithms are not available or were not evaluated, and the functional significance of this variant is currently unknown. This variant disrupts the p.Thr337 amino acid residue in DEPDC5. Other variant(s) that disrupt this residue have been determined to be pathogenic (PMID: 36067010). This suggests that this residue is clinically significant, and that variants that disrupt this residue are likely to be disease-causing. In summary, the available evidence is currently insufficient to determine the role of this variant in disease. Therefore, it has been classified as a Variant of Uncertain Significance.

GeneDx
Classification: Uncertain significance. Last evaluated: 2018-09-06. Review status: criteria provided, single submitter. Criteria: GeneDx Variant Classification (06012015). Collection method: clinical testing. Allele origin: germline. Affected: yes.
Comment: The T337M variant in the DEPDC5 gene has not been reported previously as a pathogenic variant,nor as a benign variant, to our knowledge. The T337M variant was not observed in approximately6100 individuals of European and African American ancestry in the NHLBI Exome SequencingProject, indicating it is not a common benign variant in these populations. The T337M variant is anon-conservative amino acid substitution, which is likely to impact secondary protein structure asthese residues differ in polarity, charge, size and/or other properties. This substitution occurs at aposition that is conserved across species. In silico analysis predicts this variant is probably damaging tothe protein structure/function. We interpret T337M as a variant of uncertain significance.

Literature cited by the submitters: PubMed 36067010 (cited by Labcorp Genetics (formerly Invitae), Labcorp).